The following is an entry in ClinVar:

NM_001371986.1(UNC80):c.4099G>C (p.Glu1367Gln)

Gene: UNC80 (unc-80 subunit of NALCN channel complex; plus strand). Cytogenetic location: 2q34.
Variant type: single nucleotide variant.
Coding change: c.4099G>C on transcript NM_001371986.1 (MANE Select); coding-DNA position 4099, G replaced by C.
Protein change: p.Glu1367Gln; replaces glutamic acid 1367 with glutamine.
Molecular consequence: missense variant.
Genome position (GRCh38, 1-based): chr2:209,881,083, G>C. VCF-style: chr2-209881083-G-C. GRCh37 (hg19) VCF-style: chr2-210745807-G-C.
Other names: c.4105G>C, p.Glu1369Gln (NM_032504.2); c.4090G>C, p.Glu1364Gln (NM_182587.4); short protein forms E1367Q, E1364Q, E1369Q.
Identifiers: ClinVar variation 1031504 (VCV001031504.5), dbSNP rs2085246210, ClinGen allele CA350747850.

ClinVar aggregate classification (germline): Uncertain significance. Review status: criteria provided, multiple submitters, no conflicts (2 of 4 stars). 2 submissions from 2 submitters: Uncertain significance (2). Last evaluated 2023-12-18.

Conditions:
Hypotonia, infantile, with psychomotor retardation and characteristic facies 2 (IHPRF2). Also called: UNC80 Deficiency. Identifiers: Orphanet 371364, Orphanet 700333, MedGen C4225203, MONDO:0014777, OMIM 616801.

gnomAD v4.1: 1 of 1,551,658 alleles (0.000064%); highest among the groups gnomAD compares: Admixed American, 0.002%; no homozygotes.

Submissions (2):

Labcorp Genetics (formerly Invitae), Labcorp
Classification: Uncertain significance. Last evaluated: 2023-12-18. Review status: criteria provided, single submitter. Criteria: Invitae Variant Classification Sherloc (09022015). Collection method: clinical testing. Allele origin: germline.
Comment: This sequence change replaces glutamic acid, which is acidic and polar, with glutamine, which is neutral and polar, at codon 1369 of the UNC80 protein (p.Glu1369Gln). This variant is not present in population databases (gnomAD no frequency). This variant has not been reported in the literature in individuals affected with UNC80-related conditions. ClinVar contains an entry for this variant (Variation ID: 1031504). An algorithm developed to predict the effect of missense changes on protein structure and function (PolyPhen-2) suggests that this variant is likely to be disruptive. In summary, the available evidence is currently insufficient to determine the role of this variant in disease. Therefore, it has been classified as a Variant of Uncertain Significance.

Baylor Genetics
Classification: Uncertain significance for Hypotonia, infantile, with psychomotor retardation and characteristic facies 2. Last evaluated: 2018-09-19. Review status: criteria provided, single submitter. Criteria: ACMG Guidelines, 2015. Collection method: clinical testing. Allele origin: unknown. Affected: yes.
Comment: This variant was determined to be of uncertain significance according to ACMG Guidelines, 2015 [PMID:25741868].